The following is an entry in ClinVar:

ClinVar aggregate classification (germline): Likely benign (1 of 4 stars; one submission).

gnomAD v4.1: 1 of 1,614,016 alleles (0.000062%); highest among the groups gnomAD compares: South Asian, 0.0011%; no homozygotes.

Submission:

Women's Health and Genetics/Laboratory Corporation of America, LabCorp
Classification: Likely benign. Last evaluated: 2025-06-17. Review status: criteria provided, single submitter. Criteria: LabCorp Variant Classification Summary - May 2015. Collection method: clinical testing. Allele origin: germline.
Comment: Variant summary: BRCA1 c.2685A>G alters a non-conserved nucleotide resulting in a synonymous change. Consensus agreement among computation tools predict no significant impact on normal splicing. However, these predictions have yet to be confirmed by functional studies. The variant allele was found at a frequency of 4e-06 in 250972 control chromosomes. The available data on variant occurrences in the general population are insufficient to allow any conclusion about variant significance. To our knowledge, no occurrence of c.2685A>G in individuals affected with Hereditary Breast And Ovarian Cancer Syndrome and no experimental evidence demonstrating its impact on protein function have been reported. No submitters have cited clinical-significance assessments for this variant to ClinVar. Based on the evidence outlined above, the variant was classified as likely benign.

NM_007294.4(BRCA1):c.2685A>G (p.Gln895=)

Gene: BRCA1 (BRCA1 DNA repair associated; minus strand). Cytogenetic location: 17q21.31.
Variant type: single nucleotide variant.
Coding change: c.2685A>G on transcript NM_007294.4 (MANE Select); coding-DNA position 2685, A replaced by G.
Protein change: p.Gln895=; no amino-acid change (glutamine 895 retained).
Molecular consequence: synonymous variant. On other transcripts: intron variant (137).
Genome position (GRCh38, 1-based): chr17:43,092,846, T>C on the plus strand (A>G on the coding strand, the complement: BRCA1 is on the minus strand). VCF-style: chr17-43092846-T-C. GRCh37 (hg19) VCF-style: chr17-41244863-T-C.
Other names: c.2472A>G, p.Gln824= (NM_001407571.1, NM_001407853.1, NM_001407894.1 and 9 more transcripts); c.2685A>G, p.Gln895= (NM_001407581.1, NM_001407582.1, NM_001407583.1 and 30 more transcripts); c.2682A>G, p.Gln894= (NM_001407587.1, NM_001407590.1, NM_001407591.1 and 22 more transcripts); c.2676A>G, p.Gln892= (NM_001407646.1, NM_001407647.1); c.2562A>G, p.Gln854= (NM_001407648.1, NM_001407664.1, NM_001407665.1 and 19 more transcripts); c.2559A>G, p.Gln853= (NM_001407649.1, NM_001407670.1, NM_001407671.1 and 11 more transcripts); c.2607A>G, p.Gln869= (NM_001407653.1, NM_001407654.1, NM_001407655.1 and 4 more transcripts); c.2604A>G, p.Gln868= (NM_001407659.1, NM_001407660.1, NM_001407661.1 and 1 more transcripts); and 41 more.
Identifiers: ClinVar variation 3907065 (VCV003907065.1).
Genomic context (GRCh38, chr17:43,092,846, plus strand): 5'-AGACTCATTCTTTCCTTGATTTTCTTCCTTTTGTTCACATTCAAAAGTGACTTTTGGACT[T>C]TGTTTCTTTAAGGACCCAGAGTGGGCAGAGAATGTTGCACATTCCTCTTCTGCATTTCCT-3'
Protein context (NP_009225.1, residues 885-905): FSAHSGSLKK[Gln895=]SPKVTFECEQ